The following is an entry in ClinVar:

ClinVar aggregate classification (germline): Conflicting classifications of pathogenicity. Review status: criteria provided, conflicting classifications (1 of 4 stars). 5 submissions from 4 submitters: Uncertain significance (1); Benign (1); Likely benign (3). Last evaluated 2024-11-21.

Conditions:
ANK1-related disorder. Also called: ANK1-related condition.
Hereditary spherocytosis type 1. Also called: Spherocytosis type 1; ANK1-Related Spherocytosis. Identifiers: Orphanet 822, MedGen C2674218, MONDO:0008447, OMIM 182900.
Spherocytosis. Identifiers: MedGen C0553720, HP:0004444.

Allele frequency attached by ClinVar (database versions not stated): gnomAD 0.00030 and 0.00032; TOPMed 0.00035; ESP Exome Variant Server 0.00054; gnomAD exomes 0.00054 and 0.00055; ExAC 0.00065.
gnomAD v4.1: 847 of 1,613,610 alleles (0.052%); highest among the groups gnomAD compares: Non-Finnish European, 0.06%; 2 homozygotes.

Submissions (5):

Blueprint Genetics
Classification: Likely benign. Last evaluated: 2024-11-21. Review status: criteria provided, single submitter. Criteria: ACMG Guidelines, 2015. Collection method: clinical testing. Allele origin: germline.

PreventionGenetics, part of Exact Sciences
Classification: Likely benign for ANK1-related condition. Last evaluated: 2024-10-27. Review status: criteria provided, single submitter. Criteria: ACMG Guidelines, 2015. Collection method: clinical testing. Allele origin: germline.
Comment: This variant is classified as likely benign based on ACMG/AMP sequence variant interpretation guidelines (Richards et al. 2015 PMID: 25741868, with internal and published modifications).

Labcorp Genetics (formerly Invitae), Labcorp
Classification: Benign. Last evaluated: 2024-08-29. Review status: criteria provided, single submitter. Criteria: Invitae Variant Classification Sherloc (09022015). Collection method: clinical testing. Allele origin: germline.

Illumina Laboratory Services, Illumina
Classification: Likely benign for Hereditary spherocytosis type 1. Last evaluated: 2018-01-13. Review status: criteria provided, single submitter. Criteria: ICSL Variant Classification Criteria 13 December 2019. Collection method: clinical testing. Allele origin: germline.
Comment: This variant was observed in the ICSL laboratory as part of a predisposition screen in an ostensibly healthy population. It had not been previously curated by ICSL or reported in the Human Gene Mutation Database (HGMD: prior to June 1st, 2018), and was therefore a candidate for classification through an automated scoring system. Utilizing variant allele frequency, disease prevalence and penetrance estimates, and inheritance mode, an automated score was calculated to assess if this variant is too frequent to cause the disease. Based on the score and internal cut-off values, a variant classified as likely benign is not then subjected to further curation. The score for this variant resulted in a classification of likely benign for this disease.

Illumina Laboratory Services, Illumina
Classification: Uncertain significance for Spherocytosis. Last evaluated: 2018-01-13. Review status: criteria provided, single submitter. Criteria: ICSL Variant Classification Criteria 13 December 2019. Collection method: clinical testing. Allele origin: germline.

NM_000037.4(ANK1):c.1203C>T (p.Thr401=)

Gene: ANK1 (ankyrin 1; minus strand). Cytogenetic location: 8p11.21.
Variant type: single nucleotide variant.
Coding change: c.1203C>T on transcript NM_000037.4 (MANE Select); coding-DNA position 1203, C replaced by T.
Protein change: p.Thr401=; no amino-acid change (threonine 401 retained).
Molecular consequence: synonymous variant.
Genome position (GRCh38, 1-based): chr8:41,718,109, G>A on the plus strand (C>T on the coding strand, the complement: ANK1 is on the minus strand). VCF-style: chr8-41718109-G-A. GRCh37 (hg19) VCF-style: chr8-41575627-G-A.
Other names: c.1203C>T (NM_020476.2); c.1302C>T, p.Thr434= (NM_001142446.2); c.1203C>T, p.Thr401= (NM_020475.3, NM_020476.3, NM_020477.3).
Identifiers: ClinVar variation 363034 (VCV000363034.14), dbSNP rs145628190, ClinGen allele CA4728701.
Genomic context (GRCh38, chr8:41,718,109, plus strand): 5'-AGGTGGGTCGGGGGAGACCACAGGCCTGCCCCCAGGCTCCTCTGCAGTCTCTCCTACCTC[G>A]GTGACCGCGTCGATCGAGGCTCCCGTCTTCAGCAGCAGCTCCATGACACGGACGTGGTTC-3'
Protein context (NP_000028.3, residues 391-411): LKTGASIDAV[Thr401=]ESGLTPLHVA